The following is an entry in ClinVar:

NM_000203.5(IDUA):c.1118A>C (p.Asn373Thr)

Gene: IDUA (alpha-L-iduronidase; plus strand). Cytogenetic location: 4p16.3.
Variant type: single nucleotide variant.
Coding change: c.1118A>C on transcript NM_000203.5 (MANE Select); coding-DNA position 1118, A replaced by C.
Protein change: p.Asn373Thr; replaces asparagine 373 with threonine.
Molecular consequence: missense variant. On other transcripts: non-coding transcript variant (1).
Genome position (GRCh38, 1-based): chr4:1,002,414, A>C. VCF-style: chr4-1002414-A-C. GRCh37 (hg19) VCF-style: chr4-996202-A-C.
Other names: c.722A>C, p.Asn241Thr (NM_001363576.1); short protein forms N373T, N241T.
Identifiers: ClinVar variation 373483 (VCV000373483.19), dbSNP rs140564189, ClinGen allele CA2802193.

ClinVar aggregate classification (germline): Conflicting classifications of pathogenicity. Review status: criteria provided, conflicting classifications (1 of 4 stars). 5 submissions from 5 submitters: Uncertain significance (2); Likely benign (2). 1 of the submissions does not count toward it. Last evaluated 2026-01-26.

Conditions:
Inborn genetic diseases. Identifiers: MedGen C0950123, MeSH D030342.
IDUA-related disorder. Also called: IDUA-related condition.
Mucopolysaccharidosis type 1. Also called: Mucopolysaccharidosis Type I; IDUA deficiency; MPS I. Identifiers: Orphanet 579, MedGen C0023786, MONDO:0001586.

Allele frequency attached by ClinVar (database versions not stated): gnomAD exomes 0.00007 and 0.00017; ESP Exome Variant Server 0.00039; gnomAD 0.00054 and 0.00057; 1000 Genomes Project 30x 0.00062; TOPMed 0.00074.
gnomAD v4.1: 177 of 1,575,720 alleles (0.011%); highest among the groups gnomAD compares: African/African-American, 0.21%; 2 homozygotes.

Submissions (5):

Labcorp Genetics (formerly Invitae), Labcorp
Classification: Likely benign for Mucopolysaccharidosis type 1. Last evaluated: 2026-01-26. Review status: criteria provided, single submitter. Criteria: Invitae Variant Classification Sherloc (09022015). Collection method: clinical testing. Allele origin: germline.

Revvity Omics, Revvity
Classification: Uncertain significance. Last evaluated: 2025-07-28. Review status: criteria provided, single submitter. Criteria: ACMG Guidelines, 2015. Collection method: clinical testing. Allele origin: germline.

Ambry Genetics
Classification: Likely benign for Inborn genetic diseases. Last evaluated: 2024-11-24. Review status: criteria provided, single submitter. Criteria: Ambry Variant Classification Scheme 2023. Collection method: clinical testing. Allele origin: germline.

GeneDx
Classification: Uncertain significance. Last evaluated: 2016-12-08. Review status: criteria provided, single submitter. Criteria: GeneDx Variant Classification (06012015). Collection method: clinical testing. Allele origin: germline. Affected: yes.
Comment: The N373T variant in the IDUA gene has not been reported previously as a pathogenic variant, nor as a benign variant, to our knowledge. The N373T variant was not observed with any significant frequency in approximately 6500 individuals of European and African American ancestry in the NHLBI Exome Sequencing Project, indicating it is not a common benign variant in these populations. The N373T variant is a conservative amino acid substitution, which is not likely to impact secondary protein structure as these residues share similar properties. In addition, this substitution occurs at a position that is not conserved across species. However, in silico analysis predicts this variant is probably damaging to the protein structure/function. We therefore interpret N373T as a variant of uncertain significance.

PreventionGenetics, part of Exact Sciences
Classification: Likely benign for IDUA-related condition. Last evaluated: 2024-02-20. Review status: no assertion criteria provided. Collection method: clinical testing. Allele origin: germline. Not counted in ClinVar's aggregate classification.
Comment: This variant is classified as likely benign based on ACMG/AMP sequence variant interpretation guidelines (Richards et al. 2015 PMID: 25741868, with internal and published modifications).